The following is an entry in ClinVar:

NM_000059.4(BRCA2):c.6479A>G (p.Gln2160Arg)

Gene: BRCA2 (BRCA2 DNA repair associated; plus strand). Cytogenetic location: 13q13.1.
Variant type: single nucleotide variant.
Coding change: c.6479A>G on transcript NM_000059.4 (MANE Select); coding-DNA position 6479, A replaced by G.
Protein change: p.Gln2160Arg; replaces glutamine 2160 with arginine.
Molecular consequence: missense variant.
Genome position (GRCh38, 1-based): chr13:32,340,834, A>G. VCF-style: chr13-32340834-A-G. GRCh37 (hg19) VCF-style: chr13-32914971-A-G.
Other names: short protein forms Q2160R.
Identifiers: ClinVar variation 141259 (VCV000141259.21), dbSNP rs587781610, ClinGen allele CA024096.

ClinVar aggregate classification (germline): Conflicting classifications of pathogenicity. Review status: criteria provided, conflicting classifications (1 of 4 stars). 6 submissions from 6 submitters: Uncertain significance (2); Likely benign (3). 1 of the submissions does not count toward it. Last evaluated 2025-05-05.

Conditions:
Hereditary cancer-predisposing syndrome. Also called: Neoplastic Syndromes, Hereditary; Hereditary Cancer Syndrome; Hereditary neoplastic syndrome; Tumor predisposition. Identifiers: Orphanet 140162, MedGen C0027672, MeSH D009386, MONDO:0015356.
Hereditary breast ovarian cancer syndrome. Also called: Hereditary breast and ovarian cancer syndrome; Hereditary breast and/or ovarian cancer syndrome; BRCA1- and BRCA2-Associated Hereditary Breast and Ovarian Cancer; Hereditary breast and ovarian cancer; Breast and ovarian cancer; Hereditary breast and ovarian cancer syndrome (HBOC). Identifiers: Orphanet 145, MedGen C0677776, MeSH D061325, MONDO:0003582. Disease mechanism: loss of function.
Pancreatic cancer, susceptibility to, 2. Identifiers: Orphanet 1333, MedGen C3150546, MONDO:0013235, OMIM 613347.
Breast-ovarian cancer, familial, susceptibility to, 2 (BROVCA2). Also called: BRCA2 Hereditary Breast and Ovarian Cancer. Identifiers: Orphanet 145, MedGen C2675520, MONDO:0012933, OMIM 612555. Disease mechanism: loss of function.

Allele frequency attached by ClinVar (database versions not stated): gnomAD exomes below 0.00001.
gnomAD v4.1: 1 of 1,590,568 alleles (0.000063%); highest among the groups gnomAD compares: Non-Finnish European, 0.000085%; no homozygotes.

Submissions (6):

Labcorp Genetics (formerly Invitae), Labcorp
Classification: Uncertain significance for Hereditary breast ovarian cancer syndrome. Last evaluated: 2025-05-05. Review status: criteria provided, single submitter. Criteria: Invitae Variant Classification Sherloc (09022015). Collection method: clinical testing. Allele origin: germline.
Comment: This sequence change replaces glutamine, which is neutral and polar, with arginine, which is basic and polar, at codon 2160 of the BRCA2 protein (p.Gln2160Arg). This variant is present in population databases (rs587781610, gnomAD 0.0009%). This variant has not been reported in the literature in individuals affected with BRCA2-related conditions. ClinVar contains an entry for this variant (Variation ID: 141259). Invitae Evidence Modeling of protein sequence and biophysical properties (such as structural, functional, and spatial information, amino acid conservation, physicochemical variation, residue mobility, and thermodynamic stability) indicates that this missense variant is not expected to disrupt BRCA2 protein function with a negative predictive value of 95%. In summary, the available evidence is currently insufficient to determine the role of this variant in disease. Therefore, it has been classified as a Variant of Uncertain Significance.

Department of Pathology and Laboratory Medicine, Sinai Health System
Classification: Likely benign for Pancreatic cancer, susceptibility to, 2. Last evaluated: 2024-05-16. Review status: criteria provided, single submitter. Criteria: ACMG Guidelines, 2015. Collection method: clinical testing. Allele origin: germline. Affected: yes.

University of Washington Department of Laboratory Medicine, University of Washington
Classification: Likely benign for Hereditary cancer-predisposing syndrome. Last evaluated: 2023-03-23. Review status: criteria provided, single submitter. Criteria: Dines et al. (Genet Med. 2020). Collection method: curation. Allele origin: germline.
Comment: Missense variant in a coldspot region where missense variants are very unlikely to be pathogenic (PMID:31911673).

BRCA2 exon 11 coldspot. Reclassification based on statistical prior probability.

Color Diagnostics, LLC DBA Color Health
Classification: Uncertain significance for Hereditary cancer-predisposing syndrome. Last evaluated: 2019-05-30. Review status: criteria provided, single submitter. Criteria: ACMG Guidelines, 2015. Collection method: clinical testing. Allele origin: germline.

Ambry Genetics
Classification: Likely benign for Hereditary cancer-predisposing syndrome. Last evaluated: 2019-01-30. Review status: criteria provided, single submitter. Criteria: Ambry Variant Classification Scheme 2023. Collection method: clinical testing. Allele origin: germline.

Department of Medical and Surgical Sciences, University of Bologna
Classification: Likely benign for Breast-ovarian cancer, familial, susceptibility to, 2. Last evaluated: 2023-09-01. Review status: no assertion criteria provided. Collection method: clinical testing. Allele origin: germline. Affected: yes. Not counted in ClinVar's aggregate classification.
Comment: PM2(Supporting)+BP1(Strong) according to ACMG/AMP classification guidelines specified for BRCA1 & BRCA2 (Classification Criteria V1.0.0 2023-09-08) (PMID: 38160042)